The following is an entry in ClinVar:

ClinVar aggregate classification (germline): Pathogenic (1 of 4 stars; one submission).

Conditions:
BAP1-related tumor predisposition syndrome (TPDS1). Also called: BAP1 tumor predisposition syndrome; Tumor susceptibility linked to germline BAP1 mutations; COMMON Syndrome; TUMOR PREDISPOSITION SYNDROME 1. Identifiers: Orphanet 289539, MedGen C3280492, MONDO:0013692, OMIM 614327.

Submission:

Labcorp Genetics (formerly Invitae), Labcorp
Classification: Pathogenic for BAP1-related tumor predisposition syndrome. Last evaluated: 2025-08-12. Review status: criteria provided, single submitter. Criteria: Invitae Variant Classification Sherloc (09022015). Collection method: clinical testing. Allele origin: germline.
Comment: This variant results in the deletion of exon 8 and part of exon 9 (c.580+43_769del) of the BAP1 gene. It is expected to disrupt RNA splicing. Variants that disrupt the donor or acceptor splice site typically lead to a loss of protein function (PMID: 16199547), and loss-of-function variants in BAP1 are known to be pathogenic (PMID: 21874000, 23684012). This variant is not present in population databases (gnomAD no frequency). This variant has not been reported in the literature in individuals affected with BAP1-related conditions. This variant disrupts a region of the BAP1 protein in which other variant(s) (p.Trp202Arg) have been determined to be pathogenic (PMID: 30001711). This suggests that this is a clinically significant region of the protein, and that variants that disrupt it are likely to be disease-causing. For these reasons, this variant has been classified as Pathogenic.

Literature cited by the submitters: PubMed 16199547; PubMed 21874000; PubMed 23684012; PubMed 30001711.

NM_004656.4(BAP1):c.580+43_769del

Gene: BAP1 (BRCA1 associated deubiquitinase 1; minus strand). Cytogenetic location: 3p21.1.
Variant type: Deletion.
Coding change: c.580+43_769del on transcript NM_004656.4 (MANE Select); 43 bases into the intron after coding-DNA position 580 through coding-DNA position 769, 865 bases deleted.
Molecular consequence: splice acceptor variant, splice donor variant.
Genome position (GRCh38, 1-based): chr3:52,406,267-52,407,131, 865 bases deleted. GRCh37 (hg19): chr3:52,440,283-52,441,147.
Other names: c.580+43_715del (NM_001410772.1).
Identifiers: ClinVar variation 4725329 (VCV004725329.1).